The following is an entry in ClinVar:

NM_182961.4(SYNE1):c.15919A>T (p.Met5307Leu)

Gene: SYNE1 (spectrin repeat containing nuclear envelope protein 1; minus strand). Cytogenetic location: 6q25.2.
Variant type: single nucleotide variant.
Coding change: c.15919A>T on transcript NM_182961.4 (MANE Select); coding-DNA position 15919, A replaced by T.
Protein change: p.Met5307Leu; replaces methionine 5307 with leucine.
Molecular consequence: missense variant.
Genome position (GRCh38, 1-based): chr6:152,321,885, T>A on the plus strand (A>T on the coding strand, the complement: SYNE1 is on the minus strand). VCF-style: chr6-152321885-T-A. GRCh37 (hg19) VCF-style: chr6-152643020-T-A.
Other names: c.15706A>T, p.Met5236Leu (NM_033071.5); short protein forms M5236L, M5307L.
Identifiers: ClinVar variation 448558 (VCV000448558.10), dbSNP rs1554441847, ClinGen allele CA366119408.

ClinVar aggregate classification (germline): Uncertain significance. Review status: criteria provided, multiple submitters, no conflicts (2 of 4 stars). 2 submissions from 2 submitters: Uncertain significance (2). Last evaluated 2024-05-22.

Conditions:
Emery-Dreifuss muscular dystrophy 4, autosomal dominant (EDMD4). Also called: EMERY-DREIFUSS MUSCULAR DYSTROPHY 4 WITH VARIABLE FEATURES. Identifiers: Orphanet 261, MedGen C2751807, MONDO:0013071, OMIM 612998.
Autosomal recessive ataxia, Beauce type. Also called: Spinocerebellar ataxia, autosomal recessive 8; ATAXIA, RECESSIVE, OF BEAUCE; SYNE1-Related Autosomal Recessive Cerebellar Ataxia; SYNE1 Deficiency. Identifiers: Orphanet 88644, MedGen C1853116, MONDO:0012549, OMIM 610743.

gnomAD v4.1: 1 of 1,614,076 alleles (0.000062%); highest among the groups gnomAD compares: Non-Finnish European, 0.000085%; no homozygotes.

Submissions (2):

Athena Diagnostics
Classification: Uncertain significance. Last evaluated: 2024-05-22. Review status: criteria provided, single submitter. Criteria: Athena Diagnostics Criteria. Collection method: clinical testing. Allele origin: unknown.
Comment: Available data are insufficient to determine the clinical significance of the variant at this time. This variant has not been reported in large, multi-ethnic general populations. Polyphen and MutationTaster predict this amino acid change may be benign.

Labcorp Genetics (formerly Invitae), Labcorp
Classification: Uncertain significance for Emery-Dreifuss muscular dystrophy 4, autosomal dominant; Autosomal recessive ataxia, Beauce type. Last evaluated: 2020-05-21. Review status: criteria provided, single submitter. Criteria: Invitae Variant Classification Sherloc (09022015). Collection method: clinical testing. Allele origin: germline.
Comment: This variant is not present in population databases (ExAC no frequency). This sequence change replaces methionine with leucine at codon 5236 of the SYNE1 protein (p.Met5236Leu). The methionine residue is highly conserved and there is a small physicochemical difference between methionine and leucine. This variant has not been reported in the literature in individuals with SYNE1-related conditions. ClinVar contains an entry for this variant (Variation ID: 448558). Algorithms developed to predict the effect of missense changes on protein structure and function output the following: SIFT: "Tolerated"; PolyPhen-2: "Benign"; Align-GVGD: "Class C0". The leucine amino acid residue is found in multiple mammalian species, suggesting that this missense change does not adversely affect protein function. These predictions have not been confirmed by published functional studies and their clinical significance is uncertain. In summary, the available evidence is currently insufficient to determine the role of this variant in disease. Therefore, it has been classified as a Variant of Uncertain Significance.